The following is an entry in ClinVar:

ClinVar aggregate classification (germline): Likely benign (0 of 4 stars; one submission).

Conditions:
SEMA3G-related disorder. Also called: SEMA3G-related condition.

gnomAD v4.1: 8 of 1,613,910 alleles (0.0005%); highest among the groups gnomAD compares: Non-Finnish European, 0.00068%; no homozygotes.

Submission:

PreventionGenetics, part of Exact Sciences
Classification: Likely benign for SEMA3G-related condition. Last evaluated: 2022-11-18. Review status: no assertion criteria provided. Collection method: clinical testing. Allele origin: germline.
Comment: This variant is classified as likely benign based on ACMG/AMP sequence variant interpretation guidelines (Richards et al. 2015 PMID: 25741868, with internal and published modifications).

NM_020163.3(SEMA3G):c.417C>T (p.Phe139=)

Gene: SEMA3G (semaphorin 3G; minus strand). Cytogenetic location: 3p21.1.
Variant type: single nucleotide variant.
Coding change: c.417C>T on transcript NM_020163.3 (MANE Select); coding-DNA position 417, C replaced by T.
Protein change: p.Phe139=; no amino-acid change (phenylalanine 139 retained).
Molecular consequence: synonymous variant.
Genome position (GRCh38, 1-based): chr3:52,442,227, G>A on the plus strand (C>T on the coding strand, the complement: SEMA3G is on the minus strand). VCF-style: chr3-52442227-G-A. GRCh37 (hg19) VCF-style: chr3-52476243-G-A.
Identifiers: ClinVar variation 3353901 (VCV003353901.1).